The following is an entry in ClinVar:

ClinVar aggregate classification (germline): Pathogenic. Review status: criteria provided, single submitter (1 of 4 stars). 3 submissions from 3 submitters: Pathogenic (1). 2 of the submissions do not count toward it. Last evaluated 2023-01-06.

Conditions:
Tuberous sclerosis 2 (TSC2). Identifiers: Orphanet 805, MedGen C1860707, MONDO:0013199, OMIM 613254.
Tuberous sclerosis syndrome (TSC). Also called: Tuberous Sclerosis Complex; Tuberous sclerosis. Identifiers: Orphanet 805, MedGen C0041341, MONDO:0001734.

Submissions (3):

Labcorp Genetics (formerly Invitae), Labcorp
Classification: Pathogenic for Tuberous sclerosis 2. Last evaluated: 2023-01-06. Review status: criteria provided, single submitter. Criteria: Invitae Variant Classification Sherloc (09022015). Collection method: clinical testing. Allele origin: germline.
Comment: ClinVar contains an entry for this variant (Variation ID: 49683). This variant is also known as 1275+2T>C (Intron 11). Disruption of this splice site has been observed in individuals with tuberous sclerosis complex (PMID: 1520333, 10205261). This variant is not present in population databases (gnomAD no frequency). This sequence change affects a donor splice site in intron 12 of the TSC2 gene. It is expected to disrupt RNA splicing. Variants that disrupt the donor or acceptor splice site typically lead to a loss of protein function (PMID: 16199547), and loss-of-function variants in TSC2 are known to be pathogenic (PMID: 10205261, 17304050). Algorithms developed to predict the effect of sequence changes on RNA splicing suggest that this variant may disrupt the consensus splice site. For these reasons, this variant has been classified as Pathogenic.

Baylor Genetics
Classification: Likely pathogenic for tuberous sclerosis 2. Last evaluated: 2018-11-18. Review status: no assertion criteria provided. Collection method: clinical testing. Allele origin: germline. Affected: yes. Not counted in ClinVar's aggregate classification.

Tuberous sclerosis database (TSC2)
No classification provided. Condition: TSC. Review status: no classification provided. Criteria: Tuberous Sclerosis Database Assertion Criteria 2015. Collection method: curation. Allele origin: germline. Affected: yes. Not counted in ClinVar's aggregate classification.

Literature cited by the submitters: PubMed 1520333 (cited by Labcorp Genetics (formerly Invitae), Labcorp); PubMed 10205261 (cited by Labcorp Genetics (formerly Invitae), Labcorp); PubMed 16199547 (cited by Labcorp Genetics (formerly Invitae), Labcorp); PubMed 17304050 (cited by Labcorp Genetics (formerly Invitae), Labcorp).

NM_000548.5(TSC2):c.1257+2T>C

Gene: TSC2 (TSC complex subunit 2; plus strand). Cytogenetic location: 16p13.3.
Variant type: single nucleotide variant.
Coding change: c.1257+2T>C on transcript NM_000548.5 (MANE Select); the canonical splice donor site of the intron after coding-DNA position 1257, T replaced by C.
Molecular consequence: splice donor variant.
Genome position (GRCh38, 1-based): chr16:2,062,010, T>C. VCF-style: chr16-2062010-T-C. GRCh37 (hg19) VCF-style: chr16-2112011-T-C.
Other names: c.657+2T>C (NM_001406687.1, NM_001406682.1, NM_001406684.1 and 6 more transcripts); c.-88+2T>C (NM_001406689.1, NM_001406690.1, NM_001406692.1 and 4 more transcripts); c.-264+2T>C (NM_001406698.1); c.1257+2T>C (NM_001114382.3, NM_001406663.1, NM_001406664.1 and 6 more transcripts); c.-56+2T>C (NM_001406694.1, NM_001406695.1); c.1245+2T>C (NM_001406671.1, NM_001406673.1); c.795+2T>C (NM_001406681.1); c.1146+2T>C (NM_001406670.1, NM_001318827.2, NM_001406678.1); and 4 more.
Identifiers: ClinVar variation 49683 (VCV000049683.8), dbSNP rs45509697, ClinGen allele CA014221.